The following is an entry in ClinVar:

NM_007194.4(CHEK2):c.685G>C (p.Gly229Arg)

Gene: CHEK2 (checkpoint kinase 2; minus strand). Cytogenetic location: 22q12.1.
Variant type: single nucleotide variant.
Coding change: c.685G>C on transcript NM_007194.4 (MANE Select); coding-DNA position 685, G replaced by C.
Protein change: p.Gly229Arg; replaces glycine 229 with arginine.
Molecular consequence: missense variant.
Genome position (GRCh38, 1-based): chr22:28,712,016, C>G on the plus strand (G>C on the coding strand, the complement: CHEK2 is on the minus strand). VCF-style: chr22-28712016-C-G. GRCh37 (hg19) VCF-style: chr22-29108004-C-G.
Other names: c.814G>C, p.Gly272Arg (NM_001005735.3); c.22G>C, p.Gly8Arg (NM_001257387.3); c.484G>C, p.Gly162Arg (NM_001349956.3); c.685G>C, p.Gly229Arg (NM_145862.3); short protein forms G229R, G272R, G8R, G162R.
Identifiers: ClinVar variation 574454 (VCV000574454.14), dbSNP rs1064794948, ClinGen allele CA411103517.

ClinVar aggregate classification (germline): Uncertain significance. Review status: criteria provided, multiple submitters, no conflicts (2 of 4 stars). 2 submissions from 2 submitters: Uncertain significance (2). Last evaluated 2025-09-14.

Conditions:
Hereditary cancer-predisposing syndrome. Also called: Neoplastic Syndromes, Hereditary; Hereditary Cancer Syndrome; Tumor predisposition; Hereditary neoplastic syndrome. Identifiers: Orphanet 140162, MedGen C0027672, MeSH D009386, MONDO:0015356.
Familial cancer of breast. Also called: hereditary breast carcinoma; BREAST CANCER, FAMILIAL; Hereditary breast cancer. Identifiers: Orphanet 227535, MedGen C0346153, MONDO:0016419, OMIM 114480. Disease mechanism: loss of function.

Submissions (2):

Ambry Genetics
Classification: Uncertain significance for Hereditary cancer-predisposing syndrome. Last evaluated: 2025-09-14. Review status: criteria provided, single submitter. Criteria: Ambry Variant Classification Scheme 2023. Collection method: clinical testing. Allele origin: germline.
Comment: The p.G229R variant (also known as c.685G>C), located in coding exon 5 of the CHEK2 gene, results from a G to C substitution at nucleotide position 685. The glycine at codon 229 is replaced by arginine, an amino acid with dissimilar properties. This amino acid position is conserved. In addition, this alteration is predicted to be deleterious by in silico analysis. Since supporting evidence is limited at this time, the clinical significance of this alteration remains unclear.

Labcorp Genetics (formerly Invitae), Labcorp
Classification: Uncertain significance for Familial cancer of breast. Last evaluated: 2018-09-06. Review status: criteria provided, single submitter. Criteria: Invitae Variant Classification Sherloc (09022015). Collection method: clinical testing. Allele origin: germline.
Comment: This sequence change replaces glycine with arginine at codon 229 of the CHEK2 protein (p.Gly229Arg). The glycine residue is highly conserved and there is a moderate physicochemical difference between glycine and arginine. This variant is not present in population databases (ExAC no frequency). This variant has not been reported in the literature in individuals with CHEK2-related disease. Algorithms developed to predict the effect of missense changes on protein structure and function do not agree on the potential impact of this missense change (SIFT: "Deleterious"; PolyPhen-2: "Probably Damaging"; Align-GVGD: "Class C15"). In summary, the available evidence is currently insufficient to determine the role of this variant in disease. Therefore, it has been classified as a Variant of Uncertain Significance.